The following is an entry in ClinVar:

ClinVar aggregate classification (germline): Conflicting classifications of pathogenicity. Review status: criteria provided, conflicting classifications (1 of 4 stars). 4 submissions from 4 submitters: Uncertain significance (2); Likely benign (2). Last evaluated 2025-12-01.

Conditions:
Autosomal recessive nonsyndromic hearing loss 9. Also called: Deafness, autosomal recessive 9; NEUROSENSORY NONSYNDROMIC RECESSIVE DEAFNESS 9; OTOF-Related Hearing Loss; AUDITORY NEUROPATHY, AUTOSOMAL RECESSIVE, 1, TEMPERATURE-SENSITIVE. Identifiers: Orphanet 90636, MedGen C1832828, MONDO:0010986, OMIM 601071.

Allele frequency attached by ClinVar (database versions not stated): gnomAD 0.00003; gnomAD exomes 0.00011 and 0.00006; ExAC 0.00004; TOPMed 0.00005.
gnomAD v4.1: 160 of 1,612,914 alleles (0.0099%); highest among the groups gnomAD compares: Non-Finnish European, 0.013%; no homozygotes.

Submissions (4):

Labcorp Genetics (formerly Invitae), Labcorp
Classification: Likely benign. Last evaluated: 2025-12-01. Review status: criteria provided, single submitter. Criteria: Invitae Variant Classification Sherloc (09022015). Collection method: clinical testing. Allele origin: germline.

GeneDx
Classification: Uncertain significance. Last evaluated: 2024-09-05. Review status: criteria provided, single submitter. Criteria: GeneDx Variant Classification Process June 2021. Collection method: clinical testing. Allele origin: germline.
Comment: In silico analysis indicates that this variant does not alter splicing; Has not been previously published as pathogenic or benign to our knowledge

Illumina Laboratory Services, Illumina
Classification: Uncertain significance for Autosomal recessive nonsyndromic hearing loss 9. Last evaluated: 2018-01-12. Review status: criteria provided, single submitter. Criteria: ICSL Variant Classification Criteria 13 December 2019. Collection method: clinical testing. Allele origin: germline.

Laboratory for Molecular Medicine, Mass General Brigham Personalized Medicine
Classification: Likely benign. Last evaluated: 2012-06-26. Review status: criteria provided, single submitter. Criteria: LMM Criteria. Collection method: clinical testing. Allele origin: germline. Observed: 2 variant alleles.
Comment: Leu571Leu in exon 15 of OTOF: This variant is not expected to have clinical sign ificance because it does not alter an amino acid residue, is not located within the splice consensus sequence.

NM_194248.3(OTOF):c.1713G>A (p.Leu571=)

Gene: OTOF (otoferlin; minus strand). Cytogenetic location: 2p23.3.
Variant type: single nucleotide variant.
Coding change: c.1713G>A on transcript NM_194248.3 (MANE Select); coding-DNA position 1713, G replaced by A.
Protein change: p.Leu571=; no amino-acid change (leucine 571 retained).
Molecular consequence: synonymous variant.
Genome position (GRCh38, 1-based): chr2:26,480,876, C>T on the plus strand (G>A on the coding strand, the complement: OTOF is on the minus strand). VCF-style: chr2-26480876-C-T. GRCh37 (hg19) VCF-style: chr2-26703744-C-T.
Other names: c.1713G>A, p.Leu571= (NM_001287489.2).
Identifiers: ClinVar variation 48178 (VCV000048178.18), dbSNP rs397517935, ClinGen allele CA142760.
Genomic context (GRCh38, chr2:26,480,876, plus strand): 5'-CACCTCTGTGGAGCTGGTGAGCTCAGGGTTGGAGGTGTCTACGATCTCCACAGCCAGGCC[C>T]AGCAGGAGCCGGGCCCGGAAGGACACACCCTCCCCCAGGCCCTCGTTCAGGTCCTGATGC-3'
Protein context (NP_919224.1, residues 561-581): EGVSFRARLL[Leu571=]GLAVEIVDTS